The following is an entry in ClinVar:

ClinVar aggregate classification (germline): Uncertain significance. Review status: criteria provided, multiple submitters, no conflicts (2 of 4 stars). 2 submissions from 2 submitters: Uncertain significance (2). Last evaluated 2026-01-20.

Conditions:
Hereditary cancer-predisposing syndrome. Also called: Hereditary neoplastic syndrome; Hereditary Cancer Syndrome; Neoplastic Syndromes, Hereditary; Tumor predisposition. Identifiers: Orphanet 140162, MedGen C0027672, MeSH D009386, MONDO:0015356.
Birt-Hogg-Dube syndrome. Also called: Birt Hogg Dubé syndrome. Identifiers: Orphanet 122, MedGen C0346010, MONDO:0800444.

Submissions (2):

Labcorp Genetics (formerly Invitae), Labcorp
Classification: Uncertain significance for Birt-Hogg-Dube syndrome. Last evaluated: 2026-01-20. Review status: criteria provided, single submitter. Criteria: Invitae Variant Classification Sherloc (09022015). Collection method: clinical testing. Allele origin: germline.
Comment: This sequence change replaces alanine, which is neutral and non-polar, with aspartic acid, which is acidic and polar, at codon 225 of the FLCN protein (p.Ala225Asp). This variant is not present in population databases (gnomAD no frequency). This variant has not been reported in the literature in individuals affected with FLCN-related conditions. Invitae Evidence Modeling of protein sequence and biophysical properties (such as structural, functional, and spatial information, amino acid conservation, physicochemical variation, residue mobility, and thermodynamic stability) indicates that this missense variant is not expected to disrupt FLCN protein function with a negative predictive value of 80%. In summary, the available evidence is currently insufficient to determine the role of this variant in disease. Therefore, it has been classified as a Variant of Uncertain Significance.

Ambry Genetics
Classification: Uncertain significance for Hereditary cancer-predisposing syndrome. Last evaluated: 2025-09-27. Review status: criteria provided, single submitter. Criteria: Ambry Variant Classification Scheme 2023. Collection method: clinical testing. Allele origin: germline.
Comment: The p.A225D variant (also known as c.674C>A), located in coding exon 4 of the FLCN gene, results from a C to A substitution at nucleotide position 674. The alanine at codon 225 is replaced by aspartic acid, an amino acid with dissimilar properties. This amino acid position is conserved. In addition, the in silico prediction for this alteration is inconclusive. Based on the available evidence, the clinical significance of this variant remains unclear.

NM_144997.7(FLCN):c.674C>A (p.Ala225Asp)

Gene: FLCN (folliculin; minus strand). Cytogenetic location: 17p11.2.
Variant type: single nucleotide variant.
Coding change: c.674C>A on transcript NM_144997.7 (MANE Select); coding-DNA position 674, C replaced by A.
Protein change: p.Ala225Asp; replaces alanine 225 with aspartic acid.
Molecular consequence: missense variant.
Genome position (GRCh38, 1-based): chr17:17,222,606, G>T on the plus strand (C>A on the coding strand, the complement: FLCN is on the minus strand). VCF-style: chr17-17222606-G-T. GRCh37 (hg19) VCF-style: chr17-17125920-G-T.
Other names: c.728C>A, p.Ala243Asp (NM_001353229.2); c.674C>A, p.Ala225Asp (NM_001353230.2, NM_001353231.2, NM_144606.7); short protein forms A225D, A243D.
Identifiers: ClinVar variation 4642900 (VCV004642900.2).
Genomic context (GRCh38, chr17:17,222,606, plus strand): 5'-GTCAGCGATGTCAGCGAGCGGGCGGCGTTGCCGTTCCTCTGGTGTAGGAATGGCGTGAAG[G>T]CTGTGTTCATCCTCTGAGCACGCTGTGGGCATCCAAACTGCTCTGCCTCAAACACCTGAA-3'
Protein context (NP_659434.2, residues 215-235): CPQRAQRMNT[Ala225Asp]FTPFLHQRNG